The following is an entry in ClinVar:

ClinVar aggregate classification (germline): Pathogenic/Likely pathogenic. Review status: criteria provided, multiple submitters, no conflicts (2 of 4 stars). 5 submissions from 5 submitters: Pathogenic (1); Likely pathogenic (3). 1 of the submissions does not count toward it. Last evaluated 2025-04-27.

Conditions:
Multiple sulfatase deficiency (MSD). Also called: Multiple Sulfatase Deficiency Disease; Mucosulfatidosis; Sulfatidosis, Juvenile, Austin Type. Identifiers: Orphanet 585, MedGen C0268263, MONDO:0010088, OMIM 272200.

Submissions (5):

Dasa
Classification: Likely pathogenic. Last evaluated: 2025-04-27. Review status: criteria provided, single submitter. Criteria: DASA Assertion Criteria. Collection method: clinical testing. Allele origin: germline.
Comment: NM_182760.4(SUMF1):c.1042G>C (p.Ala348Pro) is a missense variant that results in the substitution of alanine with proline. The affected residue or protein region has prior evidence supporting clinical relevance. This variant has been reported in individuals with SUMF1-related disorders (PMID: 12757706). Also, this variant is absent from population databases. Computational evidence supports a deleterious effect. Based on the currently available evidence, this variant is classified as likely pathogenic.

Myriad Genetics, Inc.
Classification: Likely pathogenic for Multiple sulfatase deficiency. Last evaluated: 2025-03-18. Review status: criteria provided, single submitter. Criteria: Myriad Autosomal Dominant, Autosomal Recessive and X-Linked Classification Criteria (2023). Collection method: clinical testing. Allele origin: unknown.
Comment: NM_182760.3(SUMF1):c.1042G>C(A348P) is a missense variant classified as likely pathogenic in the context of multiple sulfatase deficiency. A348P has been observed in a case with relevant disease (PMID: 12757706). Relevant functional assessments of this variant are available in the literature (PMID: 15146462). A348P has not been observed in referenced population frequency databases. In summary, NM_182760.3(SUMF1):c.1042G>C(A348P) is a missense variant that has internal structural support for pathogenicity and has been observed more frequently in cases with the relevant disease than in healthy populations. Please note: this variant was assessed in the context of healthy population screening.

Labcorp Genetics (formerly Invitae), Labcorp
Classification: Pathogenic for Multiple sulfatase deficiency. Last evaluated: 2024-08-20. Review status: criteria provided, single submitter. Criteria: Invitae Variant Classification Sherloc (09022015). Collection method: clinical testing. Allele origin: germline.
Comment: This sequence change replaces alanine, which is neutral and non-polar, with proline, which is neutral and non-polar, at codon 348 of the SUMF1 protein (p.Ala348Pro). This variant is not present in population databases (gnomAD no frequency). This missense change has been observed in individual(s) with clinical features of multiple sulfatase deficiency (PMID: 12757706). ClinVar contains an entry for this variant (Variation ID: 2676). Invitae Evidence Modeling of protein sequence and biophysical properties (such as structural, functional, and spatial information, amino acid conservation, physicochemical variation, residue mobility, and thermodynamic stability) indicates that this missense variant is expected to disrupt SUMF1 protein function with a positive predictive value of 80%. This variant disrupts the p.Ala348 amino acid residue in SUMF1. Other variant(s) that disrupt this residue have been determined to be pathogenic (PMID: 32048457). This suggests that this residue is clinically significant, and that variants that disrupt this residue are likely to be disease-causing. For these reasons, this variant has been classified as Pathogenic.

Natera, Inc.
Classification: Likely pathogenic for Multiple sulfatase deficiency. Last evaluated: 2024-06-25. Review status: criteria provided, single submitter. Criteria: Natera Variant Classification Schema (03/2026). Collection method: clinical testing. Allele origin: germline.
Comment: The c.1042G>C variant in SUMF1 is a missense variant predicted to cause substitution of alanine to proline at amino acid 348. This variant is rare in the general population with a frequency below the threshold expected for the associated phenotype(s). This variant has been observed in one or more individuals affected with the associated recessive disease, as either homozygous or compound heterozygous with a second variant (PMID: 15146462). Functional studies show that this variant may disrupt protein function (PMID: 15146462). Computational prediction algorithms indicate this variant is likely to affect gene or protein function. Given the available evidence, this variant is classified as Likely Pathogenic.

OMIM
Classification: Pathogenic for MULTIPLE SULFATASE DEFICIENCY. Last evaluated: 2003-05-16. Review status: no assertion criteria provided. Collection method: literature only. Allele origin: germline. Not counted in ClinVar's aggregate classification.

Literature cited by the submitters: PubMed 12757706 (cited by 4 submitters); PubMed 32048457 (cited by Dasa and Labcorp Genetics (formerly Invitae), Labcorp); PubMed 15146462 (cited by Myriad Genetics, Inc. and Natera, Inc.).

NM_182760.4(SUMF1):c.1042G>C (p.Ala348Pro)

Gene: SUMF1 (sulfatase modifying factor 1; minus strand). Cytogenetic location: 3p26.1.
Variant type: single nucleotide variant.
Coding change: c.1042G>C on transcript NM_182760.4 (MANE Select); coding-DNA position 1042, G replaced by C.
Protein change: p.Ala348Pro; replaces alanine 348 with proline.
Molecular consequence: missense variant.
Genome position (GRCh38, 1-based): chr3:4,362,227, C>G on the plus strand (G>C on the coding strand, the complement: SUMF1 is on the minus strand). VCF-style: chr3-4362227-C-G. GRCh37 (hg19) VCF-style: chr3-4403911-C-G.
Other names: c.1042G>C (NM_182760.3); c.967G>C, p.Ala323Pro (NM_001164674.2); c.982G>C, p.Ala328Pro (NM_001164675.2); short protein forms A348P, A323P, A328P.
Identifiers: ClinVar variation 2676 (VCV000002676.9), dbSNP rs137852853, ClinGen allele CA115679.